The following is an entry in ClinVar:

ClinVar aggregate classification (germline): Uncertain significance (1 of 4 stars; one submission).

Conditions:
Hyperekplexia 3 (HKPX3). Also called: HYPEREKPLEXIA 3, AUTOSOMAL RECESSIVE; HYPEREKPLEXIA 3, AUTOSOMAL DOMINANT. Identifiers: Orphanet 3197, MedGen C3553288, MONDO:0013827, OMIM 614618.

Allele frequency attached by ClinVar (database versions not stated): gnomAD exomes below 0.00001 and 0.00001; ExAC 0.00001.
gnomAD v4.1: 7 of 1,610,766 alleles (0.00043%); highest among the groups gnomAD compares: Non-Finnish European, 0.00059%; no homozygotes.

Submission:

Labcorp Genetics (formerly Invitae), Labcorp
Classification: Uncertain significance for Hyperekplexia 3. Last evaluated: 2024-10-22. Review status: criteria provided, single submitter. Criteria: Invitae Variant Classification Sherloc (09022015). Collection method: clinical testing. Allele origin: germline.
Comment: This sequence change falls in intron 7 of the SLC6A5 gene. It does not directly change the encoded amino acid sequence of the SLC6A5 protein. It affects a nucleotide within the consensus splice site. This variant is present in population databases (rs770409829, gnomAD 0.0009%). This variant has not been reported in the literature in individuals affected with SLC6A5-related conditions. ClinVar contains an entry for this variant (Variation ID: 1461522). Variants that disrupt the consensus splice site are a relatively common cause of aberrant splicing (PMID: 17576681, 9536098). Algorithms developed to predict the effect of sequence changes on RNA splicing suggest that this variant may disrupt the consensus splice site. In summary, the available evidence is currently insufficient to determine the role of this variant in disease. Therefore, it has been classified as a Variant of Uncertain Significance.

Literature cited by the submitters: PubMed 17576681; PubMed 9536098.

NM_004211.5(SLC6A5):c.1260+5G>A

Gene: SLC6A5 (solute carrier family 6 member 5; plus strand). Cytogenetic location: 11p15.1.
Variant type: single nucleotide variant.
Coding change: c.1260+5G>A on transcript NM_004211.5 (MANE Select); 5 bases into the intron after coding-DNA position 1260, G replaced by A.
Molecular consequence: intron variant.
Genome position (GRCh38, 1-based): chr11:20,617,889, G>A. VCF-style: chr11-20617889-G-A. GRCh37 (hg19) VCF-style: chr11-20639435-G-A.
Other names: c.558+5G>A (NM_001318369.2).
Identifiers: ClinVar variation 1461522 (VCV001461522.6), dbSNP rs770409829, ClinGen allele CA5921362.